The following is an entry in ClinVar:

NM_080680.3(COL11A2):c.3249T>G (p.Asp1083Glu)

Gene: COL11A2 (collagen type XI alpha 2 chain; minus strand). Cytogenetic location: 6p21.32.
Variant type: single nucleotide variant.
Coding change: c.3249T>G on transcript NM_080680.3 (MANE Select); coding-DNA position 3249, T replaced by G.
Protein change: p.Asp1083Glu; replaces aspartic acid 1083 with glutamic acid.
Molecular consequence: missense variant.
Genome position (GRCh38, 1-based): chr6:33,171,476, A>C on the plus strand (T>G on the coding strand, the complement: COL11A2 is on the minus strand). VCF-style: chr6-33171476-A-C. GRCh37 (hg19) VCF-style: chr6-33139253-A-C.
Other names: c.3069T>G, p.Asp1023Glu (NM_001424108.1); c.2403T>G, p.Asp801Glu (NM_001424109.1); c.2223T>G, p.Asp741Glu (NM_001424110.1, NM_001424111.1); c.1203T>G, p.Asp401Glu (NM_001424112.1); c.2928T>G, p.Asp976Glu (NM_080679.3); c.2991T>G, p.Asp997Glu (NM_080681.3); short protein forms D401E, D741E, D801E, D1023E, D976E, D997E, D1083E.
Identifiers: ClinVar variation 3667968 (VCV003667968.2).

ClinVar aggregate classification (germline): Uncertain significance (1 of 4 stars; one submission).

Submission:

Labcorp Genetics (formerly Invitae), Labcorp
Classification: Uncertain significance. Last evaluated: 2024-02-14. Review status: criteria provided, single submitter. Criteria: Invitae Variant Classification Sherloc (09022015). Collection method: clinical testing. Allele origin: germline.
Comment: This sequence change replaces aspartic acid, which is acidic and polar, with glutamic acid, which is acidic and polar, at codon 1083 of the COL11A2 protein (p.Asp1083Glu). This variant is not present in population databases (gnomAD no frequency). This variant has not been reported in the literature in individuals affected with COL11A2-related conditions. Advanced modeling of protein sequence and biophysical properties (such as structural, functional, and spatial information, amino acid conservation, physicochemical variation, residue mobility, and thermodynamic stability) performed at Invitae indicates that this missense variant is not expected to disrupt COL11A2 protein function with a negative predictive value of 95%. In summary, the available evidence is currently insufficient to determine the role of this variant in disease. Therefore, it has been classified as a Variant of Uncertain Significance.